The following is an entry in ClinVar:

NM_013352.4(DSE):c.495G>T (p.Leu165Phe)

Gene: DSE (dermatan sulfate epimerase; plus strand). Cytogenetic location: 6q22.1.
Variant type: single nucleotide variant.
Coding change: c.495G>T on transcript NM_013352.4 (MANE Select); coding-DNA position 495, G replaced by T.
Protein change: p.Leu165Phe; replaces leucine 165 with phenylalanine.
Molecular consequence: missense variant. On other transcripts: 5 prime UTR variant (4), non-coding transcript variant (1).
Genome position (GRCh38, 1-based): chr6:116,426,652, G>T. VCF-style: chr6-116426652-G-T. GRCh37 (hg19) VCF-style: chr6-116747815-G-T.
Other names: c.495G>T, p.Leu165Phe (NM_001080976.3, NM_001322937.2, NM_001322938.2 and 3 more transcripts); c.552G>T, p.Leu184Phe (NM_001322939.2); c.-67G>T (NM_001322940.2, NM_001322941.2); c.-406G>T (NM_001374520.1); c.-93G>T (NM_001374521.1); short protein forms L165F, L184F.
Identifiers: ClinVar variation 391540 (VCV000391540.5), dbSNP rs1057524129, ClinGen allele CA16604969.
Genomic context (GRCh38, chr6:116,426,652, plus strand): 5'-TTGGGATGAGGTCCCGCTTGCTCACTCCCTGGTTGGTTTTGCCACTGCTTATGACTTCTT[G>T]TACAACTACCTGAGCAAGACACAACAGGAGAAGTTTCTTGAAGTGATTGCCAATGCCTCA-3'
Protein context (NP_037484.1, residues 155-175): LVGFATAYDF[Leu165Phe]YNYLSKTQQE

ClinVar aggregate classification (germline): Uncertain significance. Review status: criteria provided, multiple submitters, no conflicts (2 of 4 stars). 3 submissions from 3 submitters: Uncertain significance (3). Last evaluated 2025-05-20.

Conditions:
Ehlers-Danlos syndrome, musculocontractural type 2 (EDSMC2). Identifiers: Orphanet 2953, MedGen C3809845, MONDO:0014236, OMIM 615539.

Allele frequency attached by ClinVar (database versions not stated): gnomAD 0.00001; TOPMed 0.00001.
gnomAD v4.1: 18 of 1,613,932 alleles (0.0011%); highest among the groups gnomAD compares: Non-Finnish European, 0.0015%; no homozygotes.

Submissions (3):

Women's Health and Genetics/Laboratory Corporation of America, LabCorp
Classification: Uncertain significance. Last evaluated: 2025-05-20. Review status: criteria provided, single submitter. Criteria: LabCorp Variant Classification Summary - May 2015. Collection method: clinical testing. Allele origin: germline.
Comment: Variant summary: DSE c.495G>T (p.Leu165Phe) results in a non-conservative amino acid change in the encoded protein sequence. Algorithms developed to predict the effect of missense changes on protein structure and function are either unavailable or do not agree on the potential impact of this missense change. The variant allele was found at a frequency of 4e-06 in 251462 control chromosomes. The available data on variant occurrences in the general population are insufficient to allow any conclusion about variant significance. To our knowledge, no occurrence of c.495G>T in individuals affected with Ehlers-Danlos syndrome, musculocontractural type 2 and no experimental evidence demonstrating its impact on protein function have been reported. ClinVar contains an entry for this variant (Variation ID: 391540). Based on the evidence outlined above, the variant was classified as uncertain significance.

Labcorp Genetics (formerly Invitae), Labcorp
Classification: Uncertain significance for Ehlers-Danlos syndrome, musculocontractural type 2. Last evaluated: 2022-04-30. Review status: criteria provided, single submitter. Criteria: Invitae Variant Classification Sherloc (09022015). Collection method: clinical testing. Allele origin: germline.
Comment: This sequence change replaces leucine, which is neutral and non-polar, with phenylalanine, which is neutral and non-polar, at codon 165 of the DSE protein (p.Leu165Phe). This variant is not present in population databases (gnomAD no frequency). This variant has not been reported in the literature in individuals affected with DSE-related conditions. ClinVar contains an entry for this variant (Variation ID: 391540). Algorithms developed to predict the effect of missense changes on protein structure and function are either unavailable or do not agree on the potential impact of this missense change (SIFT: "Not Available"; PolyPhen-2: "Possibly Damaging"; Align-GVGD: "Not Available"). In summary, the available evidence is currently insufficient to determine the role of this variant in disease. Therefore, it has been classified as a Variant of Uncertain Significance.

GeneDx
Classification: Uncertain significance. Last evaluated: 2018-10-05. Review status: criteria provided, single submitter. Criteria: GeneDx Variant Classification (06012015). Collection method: clinical testing. Allele origin: germline. Affected: yes.
Comment: A variant of uncertain significance has been identified in the DSE gene. The L165F variant has not been published as a pathogenic variant, nor has it been reported as a benign variant to our knowledge. This variant was not observed in approximately 6,500 individuals of European and African American ancestry in the NHLBI Exome Sequencing Project, indicating it is not a common benign variant in these populations. However, the L165F variant is a conservative amino acid substitution, which is not likely to impact secondary protein structure as these residues share similar properties. This substitution occurs at a position where amino acids with similar properties to Leucine are tolerated across species. Furthermore, in silico analysis is inconsistent in its predictions as to whether or not the variant is damaging to the protein structure/function.Therefore, based on the currently available information, it is unclear whether this variant is pathogenic or benign.